The following is an entry in ClinVar:

ClinVar aggregate classification (germline): Uncertain significance (1 of 4 stars; one submission).

Conditions:
Primary ciliary dyskinesia 27. Also called: CILIARY DYSKINESIA, PRIMARY, 27, WITHOUT SITUS INVERSUS. Identifiers: Orphanet 244, MedGen C3809701, MONDO:0014215, OMIM 615504.

Allele frequency attached by ClinVar (database versions not stated): gnomAD exomes below 0.00001.
gnomAD v4.1: 6 of 1,613,612 alleles (0.00037%); highest among the groups gnomAD compares: Non-Finnish European, 0.00051%; no homozygotes.

Submission:

Labcorp Genetics (formerly Invitae), Labcorp
Classification: Uncertain significance for Primary ciliary dyskinesia 27. Last evaluated: 2022-11-02. Review status: criteria provided, single submitter. Criteria: Invitae Variant Classification Sherloc (09022015). Collection method: clinical testing. Allele origin: germline.
Comment: This variant has not been reported in the literature in individuals affected with CCDC65-related conditions. This variant is present in population databases (no rsID available, gnomAD 0.002%). This sequence change replaces threonine, which is neutral and polar, with isoleucine, which is neutral and non-polar, at codon 87 of the CCDC65 protein (p.Thr87Ile). In summary, the available evidence is currently insufficient to determine the role of this variant in disease. Therefore, it has been classified as a Variant of Uncertain Significance. Algorithms developed to predict the effect of missense changes on protein structure and function are either unavailable or do not agree on the potential impact of this missense change (SIFT: "Tolerated"; PolyPhen-2: "Possibly Damaging"; Align-GVGD: "Class C0").

NM_033124.5(DRC2):c.260C>T (p.Thr87Ile)

Gene: DRC2 (dynein regulatory complex subunit 2; plus strand). Cytogenetic location: 12q13.12.
Variant type: single nucleotide variant.
Coding change: c.260C>T on transcript NM_033124.5 (MANE Select); coding-DNA position 260, C replaced by T.
Protein change: p.Thr87Ile; replaces threonine 87 with isoleucine.
Molecular consequence: missense variant. On other transcripts: 5 prime UTR variant (1).
Genome position (GRCh38, 1-based): chr12:48,905,073, C>T. VCF-style: chr12-48905073-C-T. GRCh37 (hg19) VCF-style: chr12-49298856-C-T.
Other names: c.-170C>T (NM_001286957.2); short protein forms T87I.
Identifiers: ClinVar variation 1971752 (VCV001971752.4), dbSNP rs1238628548, ClinGen allele CA384654446.